The following is an entry in ClinVar:

ClinVar aggregate classification (germline): Uncertain significance (1 of 4 stars; one submission).

Conditions:
Progressive familial heart block type IB (PFHB1B). Identifiers: Orphanet 871, MedGen C1970298, MONDO:0011474, OMIM 604559.

Submission:

Labcorp Genetics (formerly Invitae), Labcorp
Classification: Uncertain significance for Progressive familial heart block type IB. Last evaluated: 2022-07-19. Review status: criteria provided, single submitter. Criteria: Invitae Variant Classification Sherloc (09022015). Collection method: clinical testing. Allele origin: germline.
Comment: This variant is a gross deletion of the genomic region encompassing exon(s) 20 of the TRPM4 gene. This deletion is out-of-frame, and is expected to create a premature translational stop signal and result in an absent or disrupted protein product. However, the current clinical and genetic evidence is not sufficient to establish whether loss-of-function variants in TRPM4 cause disease. This variant has not been reported in the literature in individuals affected with TRPM4-related conditions. In summary, the available evidence is currently insufficient to determine the role of this variant in disease. Therefore, it has been classified as a Variant of Uncertain Significance.

NC_000019.9:g.(?_49705201)_(49705418_?)del

Gene: TRPM4 (transient receptor potential cation channel subfamily M member 4; plus strand). Cytogenetic location: 19q13.33.
Variant type: Deletion.
Identifiers: ClinVar variation 2426332 (VCV002426332.3).